The following is an entry in ClinVar:

NM_001690.4(ATP6V1A):c.31G>T (p.Asp11Tyr)

Gene: ATP6V1A (ATPase H+ transporting V1 subunit A; plus strand). Cytogenetic location: 3q13.31.
Variant type: single nucleotide variant.
Coding change: c.31G>T on transcript NM_001690.4 (MANE Select); coding-DNA position 31, G replaced by T.
Protein change: p.Asp11Tyr; replaces aspartic acid 11 with tyrosine.
Molecular consequence: missense variant.
Genome position (GRCh38, 1-based): chr3:113,778,784, G>T. VCF-style: chr3-113778784-G-T. GRCh37 (hg19) VCF-style: chr3-113497631-G-T.
Other names: c.31G>T (NM_001690.3); short protein forms D11Y.
Identifiers: ClinVar variation 2429372 (VCV002429372.4), dbSNP rs746407800, ClinGen allele CA2547727.

ClinVar aggregate classification (germline): Uncertain significance. Review status: criteria provided, multiple submitters, no conflicts (2 of 4 stars). 2 submissions from 2 submitters: Uncertain significance (2). Last evaluated 2025-10-29.

Conditions:
Inborn genetic diseases. Identifiers: MedGen C0950123, MeSH D030342.
Developmental and epileptic encephalopathy 93. Also called: EPILEPTIC ENCEPHALOPATHY, INFANTILE OR EARLY CHILDHOOD, 3. Identifiers: MedGen C4693934, MONDO:0020632, OMIM 618012.

gnomAD v4.1: 1 of 1,593,834 alleles (0.000063%); highest among the groups gnomAD compares: South Asian, 0.0011%; no homozygotes.

Submissions (2):

Ambry Genetics
Classification: Uncertain significance for Inborn genetic diseases. Last evaluated: 2025-10-29. Review status: criteria provided, single submitter. Criteria: Ambry Variant Classification Scheme 2023. Collection method: clinical testing. Allele origin: germline.
Comment: The c.31G>T (p.D11Y) alteration is located in exon 2 (coding exon 1) of the ATP6V1A gene. This alteration results from a G to T substitution at nucleotide position 31, causing the aspartic acid (D) at amino acid position 11 to be replaced by a tyrosine (Y). Based on data from gnomAD, the T allele has an overall frequency of <0.001% (1/240208) total alleles studied. The highest observed frequency was 0.004% (1/28842) of South Asian alleles. Based on insufficient or conflicting evidence, the clinical significance of this alteration remains unclear.

Diagnostics Services (NGS), CSIR - Centre For Cellular And Molecular Biology
Classification: Uncertain significance for Developmental and epileptic encephalopathy 93. Last evaluated: 2023-01-25. Review status: criteria provided, single submitter. Criteria: ACMG Guidelines, 2015. Collection method: clinical testing. Allele origin: unknown. Affected: yes. Observed: 1 variant allele, 1 heterozygote.
Comment: The c.31G>T variant is not present in publicly available population databases like 1000 Genomes, EVS, Indian Exome Database or our in-house exome database. The variant is present in ExAC and gnomAD at low frequencies. This variant has neither been published in literature nor reported to the ClinVar, Human Genome Mutation Database (HGMD), OMIM databases, in any affected individuals. In silico pathogenicity prediction programs like SIFT, PolyPhen-3, MutationTaster2, CADD etc predicted this variant to be likely deleterious, however these predictions were not confirmed by any published functional studies.